The following is an entry in ClinVar:

NM_024685.4(BBS10):c.797C>T (p.Pro266Leu)

Gene: BBS10 (Bardet-Biedl syndrome 10; minus strand). Cytogenetic location: 12q21.2.
Variant type: single nucleotide variant.
Coding change: c.797C>T on transcript NM_024685.4 (MANE Select); coding-DNA position 797, C replaced by T.
Protein change: p.Pro266Leu; replaces proline 266 with leucine.
Molecular consequence: missense variant.
Genome position (GRCh38, 1-based): chr12:76,347,188, G>A on the plus strand (C>T on the coding strand, the complement: BBS10 is on the minus strand). VCF-style: chr12-76347188-G-A. GRCh37 (hg19) VCF-style: chr12-76740968-G-A.
Other names: short protein forms P266L.
Identifiers: ClinVar variation 1942815 (VCV001942815.2), dbSNP rs778114428, ClinGen allele CA6694282.
Genomic context (GRCh38, chr12:76,347,188, plus strand): 5'-GATGTCTGAAACTGTGCTTCTGAATTTAGAATAAACTCTGATCCAGAAGTGGAAAAAAGA[G>A]GCTGAATGGTTTCTGTTACTATCACCATTCGCATGTCACCATCTGCTGGGCGGTACACAG-3'
Protein context (NP_078961.3, residues 256-276): RMVIVTETIQ[Pro266Leu]LFSTSGSEFI

ClinVar aggregate classification (germline): Uncertain significance (1 of 4 stars; one submission).

Conditions:
Bardet-Biedl syndrome (BBS). Identifiers: Orphanet 110, MedGen C0752166, MONDO:0015229.

Allele frequency attached by ClinVar (database versions not stated): gnomAD exomes below 0.00001; ExAC 0.00001.

Submission:

Labcorp Genetics (formerly Invitae), Labcorp
Classification: Uncertain significance for Bardet-Biedl syndrome. Last evaluated: 2022-05-17. Review status: criteria provided, single submitter. Criteria: Invitae Variant Classification Sherloc (09022015). Collection method: clinical testing. Allele origin: germline.
Comment: This sequence change replaces proline, which is neutral and non-polar, with leucine, which is neutral and non-polar, at codon 266 of the BBS10 protein (p.Pro266Leu). This variant is present in population databases (rs778114428, gnomAD 0.0009%). This variant has not been reported in the literature in individuals affected with BBS10-related conditions. Algorithms developed to predict the effect of missense changes on protein structure and function (SIFT, PolyPhen-2, Align-GVGD) all suggest that this variant is likely to be disruptive. In summary, the available evidence is currently insufficient to determine the role of this variant in disease. Therefore, it has been classified as a Variant of Uncertain Significance.